The following is an entry in ClinVar:

ClinVar aggregate classification (germline): Likely pathogenic (1 of 4 stars; one submission).

Submission:

Labcorp Genetics (formerly Invitae), Labcorp
Classification: Likely pathogenic. Last evaluated: 2023-03-10. Review status: criteria provided, single submitter. Criteria: Invitae Variant Classification Sherloc (09022015). Collection method: clinical testing. Allele origin: germline.
Comment: This sequence change replaces threonine, which is neutral and polar, with proline, which is neutral and non-polar, at codon 389 of the ALPL protein (p.Thr389Pro). This variant is not present in population databases (gnomAD no frequency). This variant has not been reported in the literature in individuals affected with ALPL-related conditions. ClinVar contains an entry for this variant (Variation ID: 2021873). Advanced modeling of protein sequence and biophysical properties (such as structural, functional, and spatial information, amino acid conservation, physicochemical variation, residue mobility, and thermodynamic stability) performed at Invitae indicates that this missense variant is expected to disrupt ALPL protein function. This variant disrupts the p.Thr389 amino acid residue in ALPL. Other variant(s) that disrupt this residue have been determined to be pathogenic (PMID: 24022022, 27998428). This suggests that this residue is clinically significant, and that variants that disrupt this residue are likely to be disease-causing. In summary, the currently available evidence indicates that the variant is pathogenic, but additional data are needed to prove that conclusively. Therefore, this variant has been classified as Likely Pathogenic.

Literature cited by the submitters: PubMed 24022022; PubMed 27998428.

NM_000478.6(ALPL):c.1165A>C (p.Thr389Pro)

Gene: ALPL (alkaline phosphatase, biomineralization associated; plus strand). Cytogenetic location: 1p36.12.
Variant type: single nucleotide variant.
Coding change: c.1165A>C on transcript NM_000478.6 (MANE Select); coding-DNA position 1165, A replaced by C.
Protein change: p.Thr389Pro; replaces threonine 389 with proline.
Molecular consequence: missense variant.
Genome position (GRCh38, 1-based): chr1:21,575,900, A>C. VCF-style: chr1-21575900-A-C. GRCh37 (hg19) VCF-style: chr1-21902393-A-C.
Other names: c.1000A>C, p.Thr334Pro (NM_001127501.4); c.934A>C, p.Thr312Pro (NM_001177520.3); c.1165A>C, p.Thr389Pro (NM_001369803.2, NM_001369804.2, NM_001369805.2); short protein forms T312P, T389P, T334P.
Identifiers: ClinVar variation 2021873 (VCV002021873.4), dbSNP rs774870859, ClinGen allele CA338881462.